The following is an entry in ClinVar:

ClinVar aggregate classification (germline): Uncertain significance (1 of 4 stars; one submission).

Conditions:
Usher syndrome type 3B. Also called: USHER SYNDROME, TYPE IIIB. Identifiers: MedGen C3281066, MONDO:0013788, OMIM 614504.

Allele frequency attached by ClinVar (database versions not stated): gnomAD 0.00001.
gnomAD v4.1: 1 of 1,614,076 alleles (0.000062%); no homozygotes.

Submission:

Labcorp Genetics (formerly Invitae), Labcorp
Classification: Uncertain significance for Usher syndrome type 3B. Last evaluated: 2022-06-10. Review status: criteria provided, single submitter. Criteria: Invitae Variant Classification Sherloc (09022015). Collection method: clinical testing. Allele origin: germline.
Comment: This sequence change replaces leucine, which is neutral and non-polar, with phenylalanine, which is neutral and non-polar, at codon 305 of the HARS protein (p.Leu305Phe). In summary, the available evidence is currently insufficient to determine the role of this variant in disease. Therefore, it has been classified as a Variant of Uncertain Significance. Algorithms developed to predict the effect of missense changes on protein structure and function are either unavailable or do not agree on the potential impact of this missense change (SIFT: "Deleterious"; PolyPhen-2: "Benign"; Align-GVGD: "Class C0"). This variant has not been reported in the literature in individuals affected with HARS-related conditions. This variant is not present in population databases (gnomAD no frequency).

NM_002109.6(HARS1):c.913C>T (p.Leu305Phe)

Gene: HARS1 (histidyl-tRNA synthetase 1; minus strand). Cytogenetic location: 5q31.3.
Variant type: single nucleotide variant.
Coding change: c.913C>T on transcript NM_002109.6 (MANE Select); coding-DNA position 913, C replaced by T.
Protein change: p.Leu305Phe; replaces leucine 305 with phenylalanine.
Molecular consequence: missense variant.
Genome position (GRCh38, 1-based): chr5:140,677,027, G>A on the plus strand (C>T on the coding strand, the complement: HARS1 is on the minus strand). VCF-style: chr5-140677027-G-A. GRCh37 (hg19) VCF-style: chr5-140056612-G-A.
Other names: c.793C>T, p.Leu265Phe (NM_001258040.3); c.853C>T, p.Leu285Phe (NM_001258041.3); c.733C>T, p.Leu245Phe (NM_001258042.3); c.691C>T, p.Leu231Phe (NM_001289092.2); c.571C>T, p.Leu191Phe (NM_001289093.2); c.826C>T, p.Leu276Phe (NM_001289094.2); short protein forms L276F, L305F, L191F, L285F, L231F, L245F, L265F.
Identifiers: ClinVar variation 1957654 (VCV001957654.5), dbSNP rs1758415033, ClinGen allele CA361252571.